The following is an entry in ClinVar:

ClinVar aggregate classification (germline): Conflicting classifications of pathogenicity. Review status: criteria provided, conflicting classifications (1 of 4 stars). 2 submissions from 2 submitters: Uncertain significance (1); Likely benign (1). Last evaluated 2024-01-30.

Conditions:
Hereditary cancer-predisposing syndrome. Also called: Hereditary neoplastic syndrome; Tumor predisposition; Neoplastic Syndromes, Hereditary; Hereditary Cancer Syndrome. Identifiers: Orphanet 140162, MedGen C0027672, MeSH D009386, MONDO:0015356.

Allele frequency attached by ClinVar (database versions not stated): gnomAD exomes below 0.00001.
gnomAD v4.1: 1 of 1,614,080 alleles (0.000062%); highest among the groups gnomAD compares: Non-Finnish European, 0.000085%; no homozygotes.

Submissions (2):

Ambry Genetics
Classification: Likely benign for Hereditary cancer-predisposing syndrome. Last evaluated: 2024-01-30. Review status: criteria provided, single submitter. Criteria: Ambry Variant Classification Scheme 2023. Collection method: clinical testing. Allele origin: germline.

GeneDx
Classification: Uncertain significance. Last evaluated: 2022-01-31. Review status: criteria provided, single submitter. Criteria: GeneDx Variant Classification Process June 2021. Collection method: clinical testing. Allele origin: germline. Affected: yes.
Comment: Not observed at significant frequency in large population cohorts (gnomAD); In silico analysis supports that this missense variant does not alter protein structure/function; Has not been previously published as pathogenic or benign to our knowledge

NM_000136.3(FANCC):c.1033T>G (p.Ser345Ala)

Genes: FANCC (FA complementation group C; minus strand), AOPEP (aminopeptidase O (putative); plus strand). Cytogenetic location: 9q22.32.
Variant type: single nucleotide variant.
Coding change: c.1033T>G on transcript NM_000136.3 (MANE Select); coding-DNA position 1033, T replaced by G.
Protein change: p.Ser345Ala; replaces serine 345 with alanine.
Molecular consequence: missense variant.
Genome position (GRCh38, 1-based): chr9:95,117,354, A>C on the plus strand (T>G on the coding strand, the complement: FANCC is on the minus strand). VCF-style: chr9-95117354-A-C. GRCh37 (hg19) VCF-style: chr9-97879636-A-C.
Other names: c.1033T>G, p.Ser345Ala (NM_001243743.2, NM_001243744.2); short protein forms S345A.
Identifiers: ClinVar variation 1699845 (VCV001699845.3), dbSNP rs2134693013, ClinGen allele CA374108168.